The following is an entry in ClinVar:

ClinVar aggregate classification (germline): Uncertain significance. Review status: criteria provided, multiple submitters, no conflicts (2 of 4 stars). 2 submissions from 2 submitters: Uncertain significance (2). Last evaluated 2026-08-28.

Conditions:
GRK1-related disorder. Also called: GRK1-related condition.

gnomAD v4.1: 30 of 778,340 alleles (0.0039%); highest among the groups gnomAD compares: East Asian, 0.0073%; no homozygotes.

Submissions (2):

PreventionGenetics, part of Exact Sciences
Classification: Uncertain significance for GRK1-related condition. Last evaluated: 2026-08-28. Review status: criteria provided, single submitter. Criteria: ACMG Guidelines, 2015. Collection method: clinical testing. Allele origin: germline.
Comment: The GRK1 c.880G>A variant is predicted to result in the amino acid substitution p.Ala294Thr. To our knowledge, this variant has not been reported in the literature. This variant is reported in 0.022% of alleles in individuals of European (Finnish) descent in gnomAD. At this time, the clinical significance of this variant is uncertain due to the absence of conclusive functional and genetic evidence.

Blueprint Genetics
Classification: Uncertain significance. Last evaluated: 2019-11-27. Review status: criteria provided, single submitter. Criteria: ACMG Guidelines, 2015. Collection method: clinical testing. Allele origin: germline.

NM_002929.3(GRK1):c.880G>A (p.Ala294Thr)

Gene: GRK1 (G protein-coupled receptor kinase 1; plus strand). Cytogenetic location: 13q34.
Variant type: single nucleotide variant.
Coding change: c.880G>A on transcript NM_002929.3 (MANE Select); coding-DNA position 880, G replaced by A.
Protein change: p.Ala294Thr; replaces alanine 294 with threonine.
Molecular consequence: missense variant.
Genome position (GRCh38, 1-based): chr13:113,671,551, G>A. VCF-style: chr13-113671551-G-A. GRCh37 (hg19) VCF-style: chr13-114325866-G-A.
Other names: c.880G>A (NM_002929.2); short protein forms A294T.
Identifiers: ClinVar variation 4920734 (VCV004920734.2).